The following is an entry in ClinVar:

ClinVar aggregate classification (germline): Conflicting classifications of pathogenicity. Review status: criteria provided, conflicting classifications (1 of 4 stars). 6 submissions from 6 submitters: Uncertain significance (1); Benign (1); Likely benign (4). Last evaluated 2026-01-28.

Conditions:
Glutaric aciduria, type 1. Also called: Glutaryl-CoA dehydrogenase deficiency; GA I; Glutaric acidemia type I; Glutaricacidemia Type 1; Glutaricaciduria, type I; Glutaric Acidemia Type 1. Identifiers: Orphanet 25, MedGen C0268595, MONDO:0009281, OMIM 231670.

Allele frequency attached by ClinVar (database versions not stated): gnomAD exomes 0.00014 and 0.00042; ExAC 0.00051; 1000 Genomes Project 0.00080; 1000 Genomes Project 30x 0.00125; gnomAD 0.00160 and 0.00170; TOPMed 0.00162; ESP Exome Variant Server 0.00185.
gnomAD v4.1: 454 of 1,614,146 alleles (0.028%); highest among the groups gnomAD compares: African/African-American, 0.53%; 2 homozygotes.

Submissions (6):

Labcorp Genetics (formerly Invitae), Labcorp
Classification: Benign for Glutaric aciduria, type 1. Last evaluated: 2026-01-28. Review status: criteria provided, single submitter. Criteria: Invitae Variant Classification Sherloc (09022015). Collection method: clinical testing. Allele origin: germline.

Mayo Clinic Laboratories, Mayo Clinic
Classification: Likely benign. Last evaluated: 2025-07-09. Review status: criteria provided, single submitter. Criteria: ACMG Guidelines, 2015. Collection method: clinical testing. Allele origin: germline. Observed: 3 variant alleles.
Comment: BS1, BP4, BP7

Blueprint Genetics
Classification: Likely benign. Last evaluated: 2024-06-26. Review status: criteria provided, single submitter. Criteria: ACMG Guidelines, 2015. Collection method: clinical testing. Allele origin: germline.

GeneDx
Classification: Likely benign. Last evaluated: 2021-04-17. Review status: criteria provided, single submitter. Criteria: GeneDx Variant Classification Process June 2021. Collection method: clinical testing. Allele origin: germline. Affected: yes.

Eurofins Ntd Llc (ga)
Classification: Likely benign. Last evaluated: 2018-09-11. Review status: criteria provided, single submitter. Criteria: EGL ClinVar v180209 classification definitions. Collection method: clinical testing. Allele origin: germline. Observed: 1 variant allele, 1 heterozygote.

Illumina Laboratory Services, Illumina
Classification: Uncertain significance for Glutaric aciduria, type 1. Last evaluated: 2018-01-12. Review status: criteria provided, single submitter. Criteria: ICSL Variant Classification Criteria 13 December 2019. Collection method: clinical testing. Allele origin: germline.

NM_000159.4(GCDH):c.642G>A (p.Thr214=)

Gene: GCDH (glutaryl-CoA dehydrogenase; plus strand). Cytogenetic location: 19p13.13.
Variant type: single nucleotide variant.
Coding change: c.642G>A on transcript NM_000159.4 (MANE Select); coding-DNA position 642, G replaced by A.
Protein change: p.Thr214=; no amino-acid change (threonine 214 retained).
Molecular consequence: synonymous variant. On other transcripts: non-coding transcript variant (1).
Genome position (GRCh38, 1-based): chr19:12,896,211, G>A. VCF-style: chr19-12896211-G-A. GRCh37 (hg19) VCF-style: chr19-13007025-G-A.
Other names: p.Thr214=; c.642G>A, p.Thr214= (NM_013976.5).
Identifiers: ClinVar variation 510976 (VCV000510976.23), dbSNP rs142806397, ClinGen allele CA9234459.
Genomic context (GRCh38, chr19:12,896,211, plus strand): 5'-GAACAGGGGCAAAGGGGCACTGGTCAGACCCCTCACCGACTGTTCCATCCCCAGGATCAC[G>A]AACTCGCCTATGGCCGATCTGTTTGTAGTGTGGGCTCGGTGTGAAGATGGCTGCATTCGG-3'
Protein context (NP_000150.1, residues 204-224): YTLNGTKTWI[Thr214=]NSPMADLFVV